The following is an entry in ClinVar:

NM_014362.4(HIBCH):c.136A>G (p.Thr46Ala)

Gene: HIBCH (3-hydroxyisobutyryl-CoA hydrolase; minus strand). Cytogenetic location: 2q32.2.
Variant type: single nucleotide variant.
Coding change: c.136A>G on transcript NM_014362.4 (MANE Select); coding-DNA position 136, A replaced by G.
Protein change: p.Thr46Ala; replaces threonine 46 with alanine.
Molecular consequence: missense variant.
Genome position (GRCh38, 1-based): chr2:190,296,896, T>C on the plus strand (A>G on the coding strand, the complement: HIBCH is on the minus strand). VCF-style: chr2-190296896-T-C. GRCh37 (hg19) VCF-style: chr2-191161622-T-C.
Other names: c.136A>G, p.Thr46Ala (NM_198047.3); short protein forms T46A.
Identifiers: ClinVar variation 379986 (VCV000379986.17), dbSNP rs1058180, ClinGen allele CA2027760.

ClinVar aggregate classification (germline): Benign. Review status: criteria provided, multiple submitters, no conflicts (2 of 4 stars). 6 submissions from 6 submitters: Benign (5). 1 of the submissions does not count toward it. Last evaluated 2026-02-03.

Conditions:
3-hydroxyisobutyryl-CoA hydrolase deficiency. Also called: HIBCH DEFICIENCY; Reduced circulating 3-hydroxyisobutyryl-CoA hydrolase activity; Deficiency of 3-hydroxyisobutyryl CoA hydrolase; METHACRYLIC ACID TOXICITY; METHACRYLIC ACIDURIA; VALINE METABOLIC DEFECT. Identifiers: Orphanet 88639, MedGen C0342738, MONDO:0009603, OMIM 250620, HP:6000215.

Allele frequency attached by ClinVar (database versions not stated): gnomAD 0.72415 and 0.72362; ESP Exome Variant Server 0.72420; ExAC 0.73928; 1000 Genomes Project 0.68431; 1000 Genomes Project 30x 0.68442; TOPMed 0.70967.
gnomAD v4.1: 1,202,895 of 1,613,048 alleles (75%); highest among the groups gnomAD compares: Admixed American, 77%; 451,053 homozygotes.

Submissions (6):

Labcorp Genetics (formerly Invitae), Labcorp
Classification: Benign for 3-hydroxyisobutyryl-CoA hydrolase deficiency. Last evaluated: 2026-02-03. Review status: criteria provided, single submitter. Criteria: Invitae Variant Classification Sherloc (09022015). Collection method: clinical testing. Allele origin: germline.

Blueprint Genetics
Classification: Benign. Last evaluated: 2024-11-26. Review status: criteria provided, single submitter. Criteria: ACMG Guidelines, 2015. Collection method: clinical testing. Allele origin: germline.

Genome-Nilou Lab
Classification: Benign for 3-hydroxyisobutyryl-CoA hydrolase deficiency. Last evaluated: 2021-08-10. Review status: criteria provided, single submitter. Criteria: ACMG Guidelines, 2015. Collection method: clinical testing. Allele origin: germline. Affected: no.

GeneDx
Classification: Benign. Last evaluated: 2015-12-02. Review status: criteria provided, single submitter. Criteria: GeneDx Variant Classification (06012015). Collection method: clinical testing. Allele origin: germline. Affected: yes.
Comment: This variant is considered likely benign or benign based on one or more of the following criteria: it is a conservative change, it occurs at a poorly conserved position in the protein, it is predicted to be benign by multiple in silico algorithms, and/or has population frequency not consistent with disease.

Breakthrough Genomics
Classification: Benign. Review status: criteria provided, single submitter. Criteria: ACMG Guidelines, 2015. Collection method: not provided. Allele origin: germline. Inheritance: Autosomal recessive inheritance. Affected: yes.

Mayo Clinic Laboratories, Mayo Clinic
Classification: Benign. Last evaluated: 2016-02-16. Review status: no assertion criteria provided. Collection method: clinical testing. Allele origin: unknown. Not counted in ClinVar's aggregate classification.